The following is an entry in ClinVar:

NM_001008537.3(NEXMIF):c.1595C>A (p.Thr532Asn)

Gene: NEXMIF (neurite extension and migration factor; minus strand). Cytogenetic location: Xq13.3.
Variant type: single nucleotide variant.
Coding change: c.1595C>A on transcript NM_001008537.3 (MANE Select); coding-DNA position 1595, C replaced by A.
Protein change: p.Thr532Asn; replaces threonine 532 with asparagine.
Molecular consequence: missense variant.
Genome position (GRCh38, 1-based): chrX:74,742,962, G>T on the plus strand (C>A on the coding strand, the complement: NEXMIF is on the minus strand). VCF-style: chrX-74742962-G-T. GRCh37 (hg19) VCF-style: chrX-73962797-G-T.
Other names: short protein forms T532N.
Identifiers: ClinVar variation 938425 (VCV000938425.9), dbSNP rs772899234, ClinGen allele CA413670138.

ClinVar aggregate classification (germline): Uncertain significance (1 of 4 stars; one submission).

Allele frequency attached by ClinVar (database versions not stated): gnomAD exomes below 0.00001.
gnomAD v4.1: 3 of 1,210,870 alleles (0.00025%); highest among the groups gnomAD compares: Non-Finnish European, 0.00034%; no homozygotes.

Submission:

Labcorp Genetics (formerly Invitae), Labcorp
Classification: Uncertain significance. Last evaluated: 2019-06-21. Review status: criteria provided, single submitter. Criteria: Invitae Variant Classification Sherloc (09022015). Collection method: clinical testing. Allele origin: germline.
Comment: This variant has not been reported in the literature in individuals with KIAA2022-related conditions. Algorithms developed to predict the effect of missense changes on protein structure and function (SIFT, PolyPhen-2, Align-GVGD) all suggest that this variant is likely to be tolerated, but these predictions have not been confirmed by published functional studies and their clinical significance is uncertain. In summary, the available evidence is currently insufficient to determine the role of this variant in disease. Therefore, it has been classified as a Variant of Uncertain Significance. This sequence change replaces threonine with asparagine at codon 532 of the KIAA2022 protein (p.Thr532Asn). The threonine residue is highly conserved and there is a small physicochemical difference between threonine and asparagine. This variant is not present in population databases (ExAC no frequency).